The following is an entry in ClinVar:

NM_006915.3(RP2):c.481G>T (p.Asp161Tyr)

Gene: RP2 (RP2 activator of ARL3 GTPase; plus strand). Cytogenetic location: Xp11.3.
Variant type: single nucleotide variant.
Coding change: c.481G>T on transcript NM_006915.3 (MANE Select); coding-DNA position 481, G replaced by T.
Protein change: p.Asp161Tyr; replaces aspartic acid 161 with tyrosine.
Molecular consequence: missense variant.
Genome position (GRCh38, 1-based): chrX:46,853,854, G>T. VCF-style: chrX-46853854-G-T. GRCh37 (hg19) VCF-style: chrX-46713289-G-T.
Other names: short protein forms D161Y.
Identifiers: ClinVar variation 962571 (VCV000962571.11), dbSNP rs150333404, ClinGen allele CA10394213.
Genomic context (GRCh38, chrX:46,853,854, plus strand): 5'-TCAAATATCAAATTTGGATGTTTTCAATGGTACTATCCTGAATTAGCTTTCCAGTTCAAA[G>T]ATGCAGGGCTAAGTATCTTCAACAATACATGGAGTAACATTCATGACTTTACACCTGTGT-3'
Protein context (NP_008846.2, residues 151-171): YYPELAFQFK[Asp161Tyr]AGLSIFNNTW

ClinVar aggregate classification (germline): Uncertain significance. Review status: criteria provided, multiple submitters, no conflicts (2 of 4 stars). 3 submissions from 3 submitters: Uncertain significance (3). Last evaluated 2025-09-02.

Allele frequency attached by ClinVar (database versions not stated): ExAC 0.00001; gnomAD 0.00002; gnomAD exomes 0.00002; TOPMed 0.00003; ESP Exome Variant Server 0.00009.
gnomAD v4.1: 23 of 1,210,242 alleles (0.0019%); highest among the groups gnomAD compares: Non-Finnish European, 0.0026%; 1 homozygote.

Submissions (3):

Labcorp Genetics (formerly Invitae), Labcorp
Classification: Uncertain significance. Last evaluated: 2025-09-02. Review status: criteria provided, single submitter. Criteria: Invitae Variant Classification Sherloc (09022015). Collection method: clinical testing. Allele origin: germline.
Comment: This sequence change replaces aspartic acid, which is acidic and polar, with tyrosine, which is neutral and polar, at codon 161 of the RP2 protein (p.Asp161Tyr). This variant is present in population databases (rs150333404, gnomAD 0.005%). This missense change has been observed in individuals with retinitis pigmentosa (PMID: 23484092; internal data). ClinVar contains an entry for this variant (Variation ID: 962571). Invitae Evidence Modeling of protein sequence and biophysical properties (such as structural, functional, and spatial information, amino acid conservation, physicochemical variation, residue mobility, and thermodynamic stability) has been performed for this missense variant. However, the output from this modeling did not meet the statistical confidence thresholds required to predict the impact of this variant on RP2 protein function. In summary, the available evidence is currently insufficient to determine the role of this variant in disease. Therefore, it has been classified as a Variant of Uncertain Significance.

Blueprint Genetics
Classification: Uncertain significance. Last evaluated: 2023-04-04. Review status: criteria provided, single submitter. Criteria: ACMG Guidelines, 2015. Collection method: clinical testing. Allele origin: germline.

Women's Health and Genetics/Laboratory Corporation of America, LabCorp
Classification: Uncertain significance. Last evaluated: 2021-08-16. Review status: criteria provided, single submitter. Criteria: LabCorp Variant Classification Summary - May 2015. Collection method: clinical testing. Allele origin: germline.
Comment: Variant summary: RP2 c.481G>T (p.Asp161Tyr) results in a non-conservative amino acid change located in the C-CAP/cofactor C-like domain (IPR017901) of the encoded protein sequence. Five of five in-silico tools predict a damaging effect of the variant on protein function. The variant allele was found at a frequency of 2.2e-05 in 183419 control chromosomes. The available data on variant occurrences in the general population are insufficient to allow any conclusion about variant significance. c.481G>T has been reported in the literature in individual(s) affected with Retinitis Pigmentosa (Schorderet_2013). This report does not provide unequivocal conclusions about association of the variant with Retinitis Pigmentosa, X-Linked. To our knowledge, no experimental evidence demonstrating an impact on protein function has been reported. One clinical diagnostic laboratory has submitted clinical-significance assessments for this variant to ClinVar after 2014, and classified the variant as uncertain significance. Based on the evidence outlined above, the variant was classified as uncertain significance.

Literature cited by the submitters: PubMed 23484092 (cited by Labcorp Genetics (formerly Invitae), Labcorp and Women's Health and Genetics/Laboratory Corporation of America, LabCorp).